The following is an entry in ClinVar:

NM_003970.4(MYOM2):c.794-47_794-8dup

Gene: MYOM2 (myomesin 2; plus strand). Cytogenetic location: 8p23.3.
Variant type: Duplication.
Coding change: c.794-47_794-8dup on transcript NM_003970.4 (MANE Select); 47 bases into the intron before coding-DNA position 794 through 8 bases into the intron before coding-DNA position 794, 40 bases duplicated.
Molecular consequence: intron variant.
Genome position (GRCh38, 1-based): chr8:2,072,298-2,072,337, 40 bases duplicated; duplicating any 40 consecutive bases within chr8:2,072,279-2,072,337 gives the same sequence; the c. name uses the placement nearest the transcript's 3' end. GRCh37 (hg19): chr8:2,020,377-2,020,378.
Identifiers: ClinVar variation 3060807 (VCV003060807.1), dbSNP rs1428775444, ClinGen allele CA918183697.

ClinVar aggregate classification (germline): Likely benign (1 of 4 stars; one submission).

Conditions:
MYOM2-related disorder. Also called: MYOM2-related condition.

Submission:

PreventionGenetics, part of Exact Sciences
Classification: Likely benign for MYOM2-related condition. Last evaluated: 2020-04-16. Review status: criteria provided, single submitter. Criteria: ACMG Guidelines, 2015. Collection method: clinical testing. Allele origin: germline.
Comment: This variant is classified as likely benign based on ACMG/AMP sequence variant interpretation guidelines (Richards et al. 2015 PMID: 25741868, with internal and published modifications).